The following is an entry in ClinVar:

NM_002474.3(MYH11):c.1112C>A (p.Ser371Tyr)

Gene: MYH11 (myosin heavy chain 11; minus strand). Cytogenetic location: 16p13.11.
Variant type: single nucleotide variant.
Coding change: c.1112C>A on transcript NM_002474.3 (MANE Select); coding-DNA position 1112, C replaced by A.
Protein change: p.Ser371Tyr; replaces serine 371 with tyrosine.
Molecular consequence: missense variant.
Genome position (GRCh38, 1-based): chr16:15,763,813, G>T on the plus strand (C>A on the coding strand, the complement: MYH11 is on the minus strand). VCF-style: chr16-15763813-G-T. GRCh37 (hg19) VCF-style: chr16-15857670-G-T.
Other names: c.1133C>A, p.Ser378Tyr (NM_001040113.2, NM_001040114.2); c.1112C>A, p.Ser371Tyr (NM_022844.3); short protein forms S378Y, S371Y.
Identifiers: ClinVar variation 3013272 (VCV003013272.6), dbSNP rs559404135, ClinGen allele CA278591859.

ClinVar aggregate classification (germline): Uncertain significance. Review status: criteria provided, multiple submitters, no conflicts (2 of 4 stars). 3 submissions from 3 submitters: Uncertain significance (3). Last evaluated 2025-08-30.

Conditions:
Familial thoracic aortic aneurysm and aortic dissection (TAAD). Also called: Thoracic aortic aneurysms and dissections. Identifiers: Orphanet 91387, MedGen C4707243, MONDO:0019625.
Aortic aneurysm, familial thoracic 4 (AAT4). Also called: AORTIC ANEURYSM/AORTIC DISSECTION AND PATENT DUCTUS ARTERIOSUS. Identifiers: MedGen C1851504, MONDO:0007568, OMIM 132900.

Allele frequency attached by ClinVar (database versions not stated): TOPMed below 0.00001; gnomAD exomes 0.00001.
gnomAD v4.1: 6 of 1,598,310 alleles (0.00038%); highest among the groups gnomAD compares: Non-Finnish European, 0.00051%; no homozygotes.

Submissions (3):

Color Diagnostics, LLC DBA Color Health
Classification: Uncertain significance for Familial thoracic aortic aneurysm and aortic dissection. Last evaluated: 2025-08-30. Review status: criteria provided, single submitter. Criteria: ACMG Guidelines, 2015. Collection method: clinical testing. Allele origin: germline.
Comment: This missense variant replaces serine with tyrosine at codon 378 of the MYH11 protein. Computational prediction suggests that this variant may have deleterious impact on protein structure and function. To our knowledge, functional studies have not been reported for this variant. This variant has not been reported in individuals affected with MYH11-related disorders in the literature. This variant has been identified in 2/251288 chromosomes in the general population by the Genome Aggregation Database (gnomAD). The available evidence is insufficient to determine the role of this variant in disease conclusively. Therefore, this variant is classified as a Variant of Uncertain Significance.

All of Us Research Program, National Institutes of Health
Classification: Uncertain significance for Familial thoracic aortic aneurysm and aortic dissection. Last evaluated: 2024-09-23. Review status: criteria provided, single submitter. Criteria: ACMG Guidelines, 2015. Collection method: clinical testing. Allele origin: germline. Inheritance: Autosomal dominant inheritance. Observed: 2 variant alleles, 2 heterozygotes.
Comment: This study involves interpretation of variants in research participants for the purpose of population health screening. Participant phenotype was not available at the time of variant classification. Additional details can be found in publication PMID: 35346344, PMCID: PMC8962531

Labcorp Genetics (formerly Invitae), Labcorp
Classification: Uncertain significance for Aortic aneurysm, familial thoracic 4. Last evaluated: 2023-12-13. Review status: criteria provided, single submitter. Criteria: Invitae Variant Classification Sherloc (09022015). Collection method: clinical testing. Allele origin: germline.
Comment: This sequence change replaces serine, which is neutral and polar, with tyrosine, which is neutral and polar, at codon 378 of the MYH11 protein (p.Ser378Tyr). This variant is present in population databases (rs559404135, gnomAD 0.002%). This variant has not been reported in the literature in individuals affected with MYH11-related conditions. Advanced modeling of protein sequence and biophysical properties (such as structural, functional, and spatial information, amino acid conservation, physicochemical variation, residue mobility, and thermodynamic stability) performed at Invitae indicates that this missense variant is not expected to disrupt MYH11 protein function with a negative predictive value of 95%. In summary, the available evidence is currently insufficient to determine the role of this variant in disease. Therefore, it has been classified as a Variant of Uncertain Significance.